The following is an entry in ClinVar:

NM_004168.4(SDHA):c.1986C>G (p.Arg662=)

Gene: SDHA (succinate dehydrogenase complex flavoprotein subunit A; plus strand). Cytogenetic location: 5p15.33.
Variant type: single nucleotide variant.
Coding change: c.1986C>G on transcript NM_004168.4 (MANE Select); coding-DNA position 1986, C replaced by G.
Protein change: p.Arg662=; no amino-acid change (arginine 662 retained).
Molecular consequence: synonymous variant.
Genome position (GRCh38, 1-based): chr5:256,411, C>G. VCF-style: chr5-256411-C-G. GRCh37 (hg19) VCF-style: chr5-256526-C-G.
Other names: c.1842C>G, p.Arg614= (NM_001294332.2); c.1743C>G, p.Arg581= (NM_001330758.2); c.1986C>G (NM_004168.2).
Identifiers: ClinVar variation 1151387 (VCV001151387.11), dbSNP rs762372686, ClinGen allele CA442659750.

ClinVar aggregate classification (germline): Benign/Likely benign. Review status: criteria provided, multiple submitters, no conflicts (2 of 4 stars). 3 submissions from 3 submitters: Benign (1); Likely benign (2). Last evaluated 2025-05-05.

Conditions:
Hereditary cancer-predisposing syndrome. Also called: Tumor predisposition; Neoplastic Syndromes, Hereditary; Hereditary Cancer Syndrome; Hereditary neoplastic syndrome. Identifiers: Orphanet 140162, MedGen C0027672, MeSH D009386, MONDO:0015356.
Pheochromocytoma/paraganglioma syndrome 5. Also called: Paragangliomas 5; SDHA-Related Hereditary Paraganglioma-Pheochromocytoma Syndrome. Identifiers: Orphanet 29072, MedGen C3279992, MONDO:0013602, OMIM 614165.
Mitochondrial complex II deficiency, nuclear type 1. Also called: SUCCINATE CoQ REDUCTASE DEFICIENCY. Identifiers: Orphanet 3208, MedGen C5700310, MONDO:0100294, OMIM 252011.

Submissions (3):

Ambry Genetics
Classification: Likely benign for Hereditary cancer-predisposing syndrome. Last evaluated: 2025-05-05. Review status: criteria provided, single submitter. Criteria: Ambry Variant Classification Scheme 2023. Collection method: clinical testing. Allele origin: germline.

Labcorp Genetics (formerly Invitae), Labcorp
Classification: Likely benign for Pheochromocytoma/paraganglioma syndrome 5; Mitochondrial complex II deficiency, nuclear type 1. Last evaluated: 2025-03-23. Review status: criteria provided, single submitter. Criteria: Invitae Variant Classification Sherloc (09022015). Collection method: clinical testing. Allele origin: germline.

Myriad Genetics, Inc.
Classification: Benign for Pheochromocytoma/paraganglioma syndrome 5. Last evaluated: 2025-03-11. Review status: criteria provided, single submitter. Criteria: Myriad Autosomal Dominant, Autosomal Recessive and X-Linked Classification Criteria (2023). Collection method: clinical testing. Allele origin: unknown.
Comment: This variant is considered benign. This variant is a silent/synonymous amino acid change and it is not expected to impact splicing.